The following is an entry in ClinVar:

NM_000371.4(TTR):c.206C>G (p.Thr69Ser)

Gene: TTR (transthyretin; plus strand). Cytogenetic location: 18q12.1.
Variant type: single nucleotide variant.
Coding change: c.206C>G on transcript NM_000371.4 (MANE Select); coding-DNA position 206, C replaced by G.
Protein change: p.Thr69Ser; replaces threonine 69 with serine.
Molecular consequence: missense variant.
Genome position (GRCh38, 1-based): chr18:31,595,125, C>G. VCF-style: chr18-31595125-C-G. GRCh37 (hg19) VCF-style: chr18-29175088-C-G.
Other names: short protein forms T69S.
Identifiers: ClinVar variation 538164 (VCV000538164.7), dbSNP rs1555631387, ClinGen allele CA402156905.
Genomic context (GRCh38, chr18:31,595,125, plus strand): 5'-CCATGCCATTTGTTTCCTCCATGCGTAACTTAATCCAGACTTTCACACCTTATAGGAAAA[C>G]CAGTGAGTCTGGAGAGCTGCATGGGCTCACAACTGAGGAGGAATTTGTAGAAGGGATATA-3'
Protein context (NP_000362.1, residues 59-79): DTWEPFASGK[Thr69Ser]SESGELHGLT

ClinVar aggregate classification (germline): Likely pathogenic (1 of 4 stars; one submission).

Conditions:
Amyloidosis, hereditary systemic 1 (AMYLD1). Also called: Hereditary oculoleptomeningeal amyloid angiopathy; Familial Transthyretin Amyloidosis; AMYLOID CARDIOMYOPATHY; Familial amyloid polyneuropathy; Transthyretin Amyloidosis; Isolated Cardiac Amyloidosis. Identifiers: Orphanet 85447, Orphanet 85451, MedGen C2751492, MONDO:0971004, OMIM 105210.

Submission:

Labcorp Genetics (formerly Invitae), Labcorp
Classification: Likely pathogenic for Amyloidosis, hereditary systemic 1. Last evaluated: 2017-10-10. Review status: criteria provided, single submitter. Criteria: Invitae Variant Classification Sherloc (09022015). Collection method: clinical testing. Allele origin: germline.
Comment: In summary, the currently available evidence indicates that the variant is pathogenic, but additional data are needed to prove that conclusively. Therefore, this variant has been classified as Likely Pathogenic. A different missense substitution at this codon (p.Thr69Ala) has been determined to be pathogenic (PMID: 1301926, 17503405, 20209591, 23713495, 21692911, 27859927). This suggests that the threonine residue is critical for TTR protein function and that other missense substitutions at this position may also be pathogenic. Algorithms developed to predict the effect of missense changes on protein structure and function do not agree on the potential impact of this missense change (SIFT: "Deleterious"; PolyPhen-2: "Probably Damaging"; Align-GVGD: "Class C55"). This variant has been reported in several individuals affected with hereditary amyloidosis (PMID: 25044787, 26115788, Invitae). This variant is also known as p.Thr49Ser in the literature. This variant is not present in population databases (ExAC no frequency). This sequence change replaces threonine with serine at codon 69 of the TTR protein (p.Thr69Ser). The threonine residue is highly conserved and there is a small physicochemical difference between threonine and serine.

Literature cited by the submitters: PubMed 1301926; PubMed 17503405; PubMed 20209591; PubMed 23713495; PubMed 21692911; PubMed 27859927; PubMed 25044787; PubMed 26115788.